The following is an entry in ClinVar:

ClinVar aggregate classification (germline): Likely benign (1 of 4 stars; one submission).

Submission:

GeneDx
Classification: Likely benign. Last evaluated: 2016-10-27. Review status: criteria provided, single submitter. Criteria: GeneDx Variant Classification (06012015). Collection method: clinical testing. Allele origin: germline. Affected: yes.
Comment: This variant is considered likely benign or benign based on one or more of the following criteria: it is a conservative change, it occurs at a poorly conserved position in the protein, it is predicted to be benign by multiple in silico algorithms, and/or has population frequency not consistent with disease.

NM_020297.4(ABCC9):c.2019+14C>T

Gene: ABCC9 (ATP binding cassette subfamily C member 9; minus strand). Cytogenetic location: 12p12.1.
Variant type: single nucleotide variant.
Coding change: c.2019+14C>T on transcript NM_020297.4 (MANE Select); 14 bases into the intron after coding-DNA position 2019, C replaced by T.
Molecular consequence: intron variant.
Genome position (GRCh38, 1-based): chr12:21,882,752, G>A on the plus strand (C>T on the coding strand, the complement: ABCC9 is on the minus strand). VCF-style: chr12-21882752-G-A. GRCh37 (hg19) VCF-style: chr12-22035686-G-A.
Other names: c.1155+14C>T (NM_001377274.1); c.2019+14C>T (NM_005691.4, NM_001377273.1).
Identifiers: ClinVar variation 390312 (VCV000390312.1), dbSNP rs1057523719, ClinGen allele CA16607212.